The following is an entry in ClinVar:

NM_014874.4(MFN2):c.695C>T (p.Thr232Ile)

Gene: MFN2 (mitofusin 2; plus strand). Cytogenetic location: 1p36.22.
Variant type: single nucleotide variant.
Coding change: c.695C>T on transcript NM_014874.4 (MANE Select); coding-DNA position 695, C replaced by T.
Protein change: p.Thr232Ile; replaces threonine 232 with isoleucine.
Molecular consequence: missense variant.
Genome position (GRCh38, 1-based): chr1:11,998,865, C>T. VCF-style: chr1-11998865-C-T. GRCh37 (hg19) VCF-style: chr1-12058922-C-T.
Other names: c.695C>T, p.Thr232Ile (NM_001127660.2); short protein forms T232I.
Identifiers: ClinVar variation 3776257 (VCV003776257.1).

ClinVar aggregate classification (germline): Uncertain significance (1 of 4 stars; one submission).

Conditions:
Charcot-Marie-Tooth disease type 2A2. Also called: HEREDITARY MOTOR AND SENSORY NEUROPATHY IIA2; HMSN IIA2; Charcot-Marie-Tooth Neuropathy Type 2A2; CHARCOT-MARIE-TOOTH DISEASE, NEURONAL, TYPE 2A2; CHARCOT-MARIE-TOOTH DISEASE, AXONAL, AUTOSOMAL DOMINANT, TYPE 2A2A; CHARCOT-MARIE-TOOTH DISEASE, AXONAL, TYPE 2A2. Identifiers: Orphanet 99947, MedGen C4721887, MONDO:0012231, OMIM 609260.

Submission:

3billion
Classification: Uncertain significance for Charcot-Marie-Tooth disease type 2A2. Last evaluated: 2023-11-13. Review status: criteria provided, single submitter. Criteria: ACMG Guidelines, 2015. Collection method: clinical testing. Allele origin: germline. Affected: yes.
Comment: The variant is not observed in the gnomAD v2.1.1 dataset. Predicted Consequence/Location: Missense variant In silico tool predictions suggest damaging effect of the variant on gene or gene product [REVEL: 0.91 (>=0.6, sensitivity 0.68 and specificity 0.92); 3Cnet: 0.98 (>=0.6, sensitivity 0.72 and precision 0.9)]. Different missense changes at the same codon (p.Thr232Ala, p.Thr232Asn, p.Thr232Pro, p.Thr232Ser) have been reported as pathogenic/likely pathogenic with strong evidence (ClinVar ID: VCV000543186, VCV000637746, VCV001325800 /PMID: 19909486, 22492563). Therefore, this variant is classified as VUS according to the recommendation of ACMG/AMP guideline.

Literature cited by the submitters: PubMed 19909486.